The following is an entry in ClinVar:

ClinVar aggregate classification (germline): Uncertain significance (1 of 4 stars; one submission).

Conditions:
Developmental and epileptic encephalopathy, 1 (DEE1). Also called: INFANTILE SPASM SYNDROME, X-LINKED 1; X-linked infantile spasms; West's syndrome; Tonic spasms with clustering, arrest of psychomotor development and hypsarrhythmia on EEG; X-Linked Infantile Spasm Syndrome; OHTAHARA SYNDROME, X-LINKED. Identifiers: MedGen C3463992, MONDO:0010632, OMIM 308350. Disease mechanism: loss of function.
Intellectual disability, X-linked, with or without seizures, ARX-related. Also called: MENTAL RETARDATION, X-LINKED 29; MENTAL RETARDATION, X-LINKED 32; MENTAL RETARDATION, X-LINKED 33; MENTAL RETARDATION, X-LINKED 38; MENTAL RETARDATION, X-LINKED 43; MENTAL RETARDATION, X-LINKED 76. Identifiers: Orphanet 777, MedGen C0796244, MONDO:0010317, OMIM 300419.

Submission:

Labcorp Genetics (formerly Invitae), Labcorp
Classification: Uncertain significance for Developmental and epileptic encephalopathy, 1; Intellectual disability, X-linked, with or without seizures, ARX-related. Last evaluated: 2021-05-25. Review status: criteria provided, single submitter. Criteria: Invitae Variant Classification Sherloc (09022015). Collection method: clinical testing. Allele origin: germline.
Comment: In summary, the available evidence is currently insufficient to determine the role of this variant in disease. Therefore, it has been classified as a Variant of Uncertain Significance. Advanced modeling of protein sequence and biophysical properties (such as structural, functional, and spatial information, amino acid conservation, physicochemical variation, residue mobility, and thermodynamic stability) performed at Invitae indicates that this missense variant is expected to disrupt ARX protein function. This variant has not been reported in the literature in individuals with ARX-related conditions. The frequency data for this variant in the population databases is considered unreliable, as metrics indicate insufficient coverage at this position in the ExAC database. This sequence change replaces leucine with isoleucine at codon 500 of the ARX protein (p.Leu500Ile). The leucine residue is highly conserved and there is a small physicochemical difference between leucine and isoleucine.

NM_139058.3(ARX):c.1498C>A (p.Leu500Ile)

Gene: ARX (aristaless related homeobox; minus strand). Cytogenetic location: Xp21.3.
Variant type: single nucleotide variant.
Coding change: c.1498C>A on transcript NM_139058.3 (MANE Select); coding-DNA position 1498, C replaced by A.
Protein change: p.Leu500Ile; replaces leucine 500 with isoleucine.
Molecular consequence: missense variant.
Genome position (GRCh38, 1-based): chrX:25,004,861, G>T on the plus strand (C>A on the coding strand, the complement: ARX is on the minus strand). VCF-style: chrX-25004861-G-T. GRCh37 (hg19) VCF-style: chrX-25022978-G-T.
Other names: short protein forms L500I.
Identifiers: ClinVar variation 1498340 (VCV001498340.8), dbSNP rs2147318762, ClinGen allele CA412610885.